The following is an entry in ClinVar:

ClinVar aggregate classification (germline): Uncertain significance (1 of 4 stars; one submission).

gnomAD v4.1: 35 of 1,608,646 alleles (0.0022%); highest among the groups gnomAD compares: Non-Finnish European, 0.0029%; no homozygotes.

Submission:

Labcorp Genetics (formerly Invitae), Labcorp
Classification: Uncertain significance. Last evaluated: 2024-09-08. Review status: criteria provided, single submitter. Criteria: Invitae Variant Classification Sherloc (09022015). Collection method: clinical testing. Allele origin: germline.
Comment: This sequence change replaces tryptophan, which is neutral and slightly polar, with leucine, which is neutral and non-polar, at codon 372 of the GUCY2C protein (p.Trp372Leu). This variant is present in population databases (rs746904140, gnomAD 0.003%). This variant has not been reported in the literature in individuals affected with GUCY2C-related conditions. Invitae Evidence Modeling of protein sequence and biophysical properties (such as structural, functional, and spatial information, amino acid conservation, physicochemical variation, residue mobility, and thermodynamic stability) indicates that this missense variant is not expected to disrupt GUCY2C protein function with a negative predictive value of 80%. In summary, the available evidence is currently insufficient to determine the role of this variant in disease. Therefore, it has been classified as a Variant of Uncertain Significance.

NM_004963.4(GUCY2C):c.1115G>T (p.Trp372Leu)

Genes: GUCY2C (guanylate cyclase 2C; minus strand), GUCY2C-AS1 (GUCY2C antisense RNA 1; plus strand). Cytogenetic location: 12p12.3.
Variant type: single nucleotide variant.
Coding change: c.1115G>T on transcript NM_004963.4 (MANE Select); coding-DNA position 1115, G replaced by T.
Protein change: p.Trp372Leu; replaces tryptophan 372 with leucine.
Molecular consequence: missense variant.
Genome position (GRCh38, 1-based): chr12:14,672,928, C>A on the plus strand (G>T on the coding strand, the complement: GUCY2C is on the minus strand). VCF-style: chr12-14672928-C-A. GRCh37 (hg19) VCF-style: chr12-14825862-C-A.
Other names: short protein forms W372L.
Identifiers: ClinVar variation 3706542 (VCV003706542.2).